The following is an entry in ClinVar:

NM_000222.3(KIT):c.2471T>C (p.Val824Ala)

Gene: KIT (KIT proto-oncogene, receptor tyrosine kinase; plus strand). Cytogenetic location: 4q12.
Variant type: single nucleotide variant.
Coding change: c.2471T>C on transcript NM_000222.3 (MANE Select); coding-DNA position 2471, T replaced by C.
Protein change: p.Val824Ala; replaces valine 824 with alanine.
Molecular consequence: missense variant.
Genome position (GRCh38, 1-based): chr4:54,733,179, T>C. VCF-style: chr4-54733179-T-C. GRCh37 (hg19) VCF-style: chr4-55599345-T-C.
Other names: c.2459T>C, p.Val820Ala (NM_001093772.2, NM_001385292.1); c.2474T>C, p.Val825Ala (NM_001385284.1); c.2468T>C, p.Val823Ala (NM_001385285.1); c.2456T>C, p.Val819Ala (NM_001385286.1); c.2462T>C, p.Val821Ala (NM_001385288.1); c.2471T>C, p.Val824Ala (NM_001385290.1); short protein forms V820A, V819A, V823A, V824A, V825A, V821A.
Identifiers: ClinVar variation 4043754 (VCV004043754.1).

ClinVar aggregate classification (germline): Uncertain significance (1 of 4 stars; one submission).

Conditions:
Hereditary cancer-predisposing syndrome. Also called: Neoplastic Syndromes, Hereditary; Tumor predisposition; Hereditary neoplastic syndrome; Hereditary Cancer Syndrome. Identifiers: Orphanet 140162, MedGen C0027672, MeSH D009386, MONDO:0015356.

Submission:

Ambry Genetics
Classification: Uncertain significance for Hereditary cancer-predisposing syndrome. Last evaluated: 2025-04-10. Review status: criteria provided, single submitter. Criteria: Ambry Variant Classification Scheme 2023. Collection method: clinical testing. Allele origin: germline.
Comment: The p.V824A variant (also known as c.2471T>C), located in coding exon 17 of the KIT gene, results from a T to C substitution at nucleotide position 2471. The valine at codon 824 is replaced by alanine, an amino acid with similar properties. This amino acid position is conserved. In addition, this alteration is predicted to be deleterious by in silico analysis. Based on the available evidence, the clinical significance of this variant remains unclear.